The following is an entry in ClinVar:

NM_001142800.2(EYS):c.8072-2A>T

Gene: EYS (EGF-like photoreceptor maintenance factor; minus strand). Cytogenetic location: 6q12.
Variant type: single nucleotide variant.
Coding change: c.8072-2A>T on transcript NM_001142800.2 (MANE Select); the canonical splice acceptor site of the intron before coding-DNA position 8072, A replaced by T.
Molecular consequence: splice acceptor variant.
Genome position (GRCh38, 1-based): chr6:63,726,682, T>A on the plus strand (A>T on the coding strand, the complement: EYS is on the minus strand). VCF-style: chr6-63726682-T-A. GRCh37 (hg19) VCF-style: chr6-64436575-T-A.
Other names: c.8135-2A>T (NM_001292009.2).
Identifiers: ClinVar variation 3638729 (VCV003638729.2).

ClinVar aggregate classification (germline): Likely pathogenic (1 of 4 stars; one submission).

Submission:

Labcorp Genetics (formerly Invitae), Labcorp
Classification: Likely pathogenic. Last evaluated: 2024-02-04. Review status: criteria provided, single submitter. Criteria: Invitae Variant Classification Sherloc (09022015). Collection method: clinical testing. Allele origin: germline.
Comment: This sequence change affects an acceptor splice site in intron 41 of the EYS gene. It is expected to disrupt RNA splicing. Variants that disrupt the donor or acceptor splice site typically lead to a loss of protein function (PMID: 16199547), and loss-of-function variants in EYS are known to be pathogenic (PMID: 18836446, 20333770). This variant is not present in population databases (gnomAD no frequency). This variant has not been reported in the literature in individuals affected with EYS-related conditions. Algorithms developed to predict the effect of sequence changes on RNA splicing suggest that this variant may disrupt the consensus splice site. In summary, the currently available evidence indicates that the variant is pathogenic, but additional data are needed to prove that conclusively. Therefore, this variant has been classified as Likely Pathogenic.

Literature cited by the submitters: PubMed 16199547; PubMed 18836446; PubMed 20333770.